The following is an entry in ClinVar:

ClinVar aggregate classification (germline): Uncertain significance. Review status: criteria provided, multiple submitters, no conflicts (2 of 4 stars). 2 submissions from 2 submitters: Uncertain significance (2). Last evaluated 2023-06-06.

Conditions:
Inborn genetic diseases. Identifiers: MedGen C0950123, MeSH D030342.
MOGS-congenital disorder of glycosylation. Also called: CDG IIb; CDG 2B; MOGS-CDG; GLUCOSIDASE I DEFICIENCY. Identifiers: Orphanet 79330, MedGen C1853736, MONDO:0011629, OMIM 606056.

Allele frequency attached by ClinVar (database versions not stated): TOPMed 0.00001; ExAC 0.00002; gnomAD 0.00002; gnomAD exomes 0.00003.

Submissions (2):

Ambry Genetics
Classification: Uncertain significance for Inborn genetic diseases. Last evaluated: 2023-06-06. Review status: criteria provided, single submitter. Criteria: Ambry Variant Classification Scheme 2023. Collection method: clinical testing. Allele origin: germline.

Labcorp Genetics (formerly Invitae), Labcorp
Classification: Uncertain significance for MOGS-congenital disorder of glycosylation. Last evaluated: 2022-07-05. Review status: criteria provided, single submitter. Criteria: Invitae Variant Classification Sherloc (09022015). Collection method: clinical testing. Allele origin: germline.
Comment: This sequence change replaces glycine, which is neutral and non-polar, with arginine, which is basic and polar, at codon 140 of the MOGS protein (p.Gly140Arg). This variant is present in population databases (rs760685740, gnomAD 0.006%). This variant has not been reported in the literature in individuals affected with MOGS-related conditions. ClinVar contains an entry for this variant (Variation ID: 967937). Algorithms developed to predict the effect of missense changes on protein structure and function are either unavailable or do not agree on the potential impact of this missense change (SIFT: "Deleterious"; PolyPhen-2: "Possibly Damaging"; Align-GVGD: "Class C0"). Algorithms developed to predict the effect of sequence changes on RNA splicing suggest that this variant may create or strengthen a splice site. In summary, the available evidence is currently insufficient to determine the role of this variant in disease. Therefore, it has been classified as a Variant of Uncertain Significance.

NM_006302.3(MOGS):c.418G>C (p.Gly140Arg)

Gene: MOGS (mannosyl-oligosaccharide glucosidase; minus strand). Cytogenetic location: 2p13.1.
Variant type: single nucleotide variant.
Coding change: c.418G>C on transcript NM_006302.3 (MANE Select); coding-DNA position 418, G replaced by C.
Protein change: p.Gly140Arg; replaces glycine 140 with arginine.
Molecular consequence: missense variant.
Genome position (GRCh38, 1-based): chr2:74,464,657, C>G on the plus strand (G>C on the coding strand, the complement: MOGS is on the minus strand). VCF-style: chr2-74464657-C-G. GRCh37 (hg19) VCF-style: chr2-74691784-C-G.
Other names: c.100G>C, p.Gly34Arg (NM_001146158.2); short protein forms G34R, G140R.
Identifiers: ClinVar variation 967937 (VCV000967937.9), dbSNP rs760685740, ClinGen allele CA1725030.
Genomic context (GRCh38, chr2:74,464,657, plus strand): 5'-GTTGGCGCCCGAAGGAGAGGCCGTCGTGGAACTCCCAGCCATAGGGACCCACACCGTCCC[C>G]CTGCTCACACGTGTGCCTGAGCTTAGGAGTCCCCGGGGTGGTGCCCTGCTGCGCCCACAT-3'
Protein context (NP_006293.2, residues 130-150): TPKLRHTCEQ[Gly140Arg]DGVGPYGWEF